The following is an entry in ClinVar:

ClinVar aggregate classification (germline): Uncertain significance (1 of 4 stars; one submission).

Conditions:
Familial adenomatous polyposis 1 (FAP1). Also called: FAMILIAL ADENOMATOUS POLYPOSIS 1, ATTENUATED; POLYPOSIS, ADENOMATOUS INTESTINAL. Identifiers: MedGen C2713442, MONDO:0021056, OMIM 175100. Disease mechanism: loss of function.

Allele frequency attached by ClinVar (database versions not stated): gnomAD 0.00001; TOPMed 0.00002; gnomAD exomes 0.00001.
gnomAD v4.1: 9 of 1,339,354 alleles (0.00067%); highest among the groups gnomAD compares: Non-Finnish European, 0.00089%; no homozygotes.

Submission:

Labcorp Genetics (formerly Invitae), Labcorp
Classification: Uncertain significance for Familial adenomatous polyposis 1. Last evaluated: 2025-11-10. Review status: criteria provided, single submitter. Criteria: Invitae Variant Classification Sherloc (09022015). Collection method: clinical testing. Allele origin: germline.
Comment: This variant occurs in a non-coding region of the APC gene. It does not change the encoded amino acid sequence of the APC protein. This variant is present in population databases (no rsID available, gnomAD 0.007%). This variant has not been reported in the literature in individuals affected with APC-related conditions. ClinVar contains an entry for this variant (Variation ID: 469816). Experimental studies and prediction algorithms are not available or were not evaluated, and the functional significance of this variant is currently unknown. In summary, the available evidence is currently insufficient to determine the role of this variant in disease. Therefore, it has been classified as a Variant of Uncertain Significance.

NM_001127511.3(APC):c.-83C>T

Gene: APC (APC regulator of Wnt signaling pathway; plus strand). Cytogenetic location: 5q22.2.
Variant type: single nucleotide variant.
Coding change: c.-83C>T on transcript NM_001127511.3; 83 bases upstream of the start codon, C replaced by T.
Molecular consequence: 5 prime UTR variant. On other transcripts: non-coding transcript variant (2).
Genome position (GRCh38, 1-based): chr5:112,707,635, C>T. VCF-style: chr5-112707635-C-T. GRCh37 (hg19) VCF-style: chr5-112043332-C-T.
Other names: c.-266C>T (NM_001354895.2, NM_001407447.1, NM_001407452.1 and 3 more transcripts); c.-83C>T (NM_001354897.2, NM_001354902.2, NM_001407446.1); c.-33C>T (NM_001407448.1, NM_001407450.1, NM_001407457.1 and 1 more transcripts); c.-57C>T (NM_001407453.1); c.-1301C>T (NM_001407470.1, NM_001407472.1).
Identifiers: ClinVar variation 469816 (VCV000469816.7), dbSNP rs1306105402, ClinGen allele CA561890261.
Genomic context (GRCh38, chr5:112,707,635, plus strand): 5'-AGCCGCTGCTCGGGGGGGACCTGCGGGCTCAGGCCCGGGAGCTGCGGACCGAGGTTGGCT[C>T]GATGCTGTTCCCAGGTACTGTTGTTGGCTGTTGGTGAGGAAGGTGAAGCACTCAGTTGCC-3'